The following is an entry in ClinVar:

ClinVar aggregate classification (germline): Uncertain significance (1 of 4 stars; one submission).

Conditions:
Immunodeficiency 51 (IMD51). Also called: CANDIDIASIS, FAMILIAL, 5. Identifiers: Orphanet 1334, MedGen C4310803, MONDO:0013500, OMIM 613953.

Allele frequency attached by ClinVar (database versions not stated): gnomAD exomes 0.00001 and 0.00003; TOPMed 0.00002; ExAC 0.00004.
gnomAD v4.1: 18 of 1,611,880 alleles (0.0011%); highest among the groups gnomAD compares: Non-Finnish European, 0.00025%; no homozygotes.

Submission:

Labcorp Genetics (formerly Invitae), Labcorp
Classification: Uncertain significance for Immunodeficiency 51. Last evaluated: 2022-10-05. Review status: criteria provided, single submitter. Criteria: Invitae Variant Classification Sherloc (09022015). Collection method: clinical testing. Allele origin: germline.
Comment: This sequence change replaces leucine, which is neutral and non-polar, with arginine, which is basic and polar, at codon 753 of the IL17RA protein (p.Leu753Arg). This variant is present in population databases (rs746798811, gnomAD 0.05%). This variant has not been reported in the literature in individuals affected with IL17RA-related conditions. ClinVar contains an entry for this variant (Variation ID: 1437653). Advanced modeling of protein sequence and biophysical properties (such as structural, functional, and spatial information, amino acid conservation, physicochemical variation, residue mobility, and thermodynamic stability) performed at Invitae indicates that this missense variant is not expected to disrupt IL17RA protein function. In summary, the available evidence is currently insufficient to determine the role of this variant in disease. Therefore, it has been classified as a Variant of Uncertain Significance.

NM_014339.7(IL17RA):c.2258T>G (p.Leu753Arg)

Gene: IL17RA (interleukin 17 receptor A; plus strand). Cytogenetic location: 22q11.1.
Variant type: single nucleotide variant.
Coding change: c.2258T>G on transcript NM_014339.7 (MANE Select); coding-DNA position 2258, T replaced by G.
Protein change: p.Leu753Arg; replaces leucine 753 with arginine.
Molecular consequence: missense variant.
Genome position (GRCh38, 1-based): chr22:17,109,477, T>G. VCF-style: chr22-17109477-T-G. GRCh37 (hg19) VCF-style: chr22-17590367-T-G.
Other names: c.2156T>G, p.Leu719Arg (NM_001289905.2); short protein forms L753R, L719R.
Identifiers: ClinVar variation 1437653 (VCV001437653.5), dbSNP rs746798811, ClinGen allele CA10086952.